The following is an entry in ClinVar:

ClinVar aggregate classification (germline): Conflicting classifications of pathogenicity. Review status: criteria provided, conflicting classifications (1 of 4 stars). 9 submissions from 5 submitters: Uncertain significance (5); Likely benign (3). 1 of the submissions does not count toward it. Last evaluated 2021-01-12.

Conditions:
Dilated cardiomyopathy 1G (CMD1G). Identifiers: Orphanet 154, MedGen C1858763, MONDO:0011400, OMIM 604145.
Autosomal recessive limb-girdle muscular dystrophy type 2J (LGMDR10). Also called: MUSCULAR DYSTROPHY, LIMB-GIRDLE, AUTOSOMAL RECESSIVE 10; Limb-girdle muscular dystrophy, type 2J. Identifiers: Orphanet 140922, MedGen C1837342, MONDO:0012127, OMIM 608807.
Cardiomyopathy (CMYO). Also called: Cardiomyopathies. Identifiers: Orphanet 167848, MedGen C0878544, MONDO:0004994, HP:0001638. Inheritance: Various modes of inheritance.
Myopathy, myofibrillar, 9, with early respiratory failure (MFM9). Also called: EDSTROM MYOPATHY; MYOPATHY, PROXIMAL, WITH EARLY RESPIRATORY MUSCLE INVOLVEMENT; Myopathy, distal, with early respiratory failure, autosomal dominant; Hereditary myopathy with early respiratory failure. Identifiers: Orphanet 178464, Orphanet 34521, MedGen C1863599, MONDO:0011362, OMIM 603689.
Early-onset myopathy with fatal cardiomyopathy (CMYO5). Also called: CONGENITAL MYOPATHY 5 WITH CARDIOMYOPATHY; Salih Myopathy. Identifiers: Orphanet 289377, MedGen C2673677, MONDO:0012714, OMIM 611705. Disease mechanism: loss of function.
Tibial muscular dystrophy (TMD). Also called: UDD MYOPATHY; Tibial muscular dystrophy, tardive; Udd Distal Myopathy – Tibial Muscular Dystrophy. Identifiers: Orphanet 609, MedGen C1838244, MONDO:0010870, OMIM 600334.
Tip-toe gait. Also called: Toe walking. Identifiers: MedGen C0427144, HP:0030051.

Allele frequency attached by ClinVar (database versions not stated): gnomAD exomes 0.00003; TOPMed 0.00003; ExAC 0.00004; gnomAD 0.00004; ESP Exome Variant Server 0.00008.
gnomAD v4.1: 50 of 1,613,314 alleles (0.0031%); highest among the groups gnomAD compares: Non-Finnish European, 0.0042%; no homozygotes.

Submissions (9):

GeneDx
Classification: Likely benign. Last evaluated: 2021-01-12. Review status: criteria provided, single submitter. Criteria: GeneDx Variant Classification Process June 2021. Collection method: clinical testing. Allele origin: germline. Affected: yes.

CHEO Genetics Diagnostic Laboratory, Children's Hospital of Eastern Ontario
Classification: Uncertain significance for Cardiomyopathy. Last evaluated: 2020-04-09. Review status: criteria provided, single submitter. Criteria: ACMG Guidelines, 2015. Collection method: clinical testing. Allele origin: germline.

Illumina Laboratory Services, Illumina
Classification: Likely benign for Tibial muscular dystrophy. Last evaluated: 2018-01-13. Review status: criteria provided, single submitter. Criteria: ICSL Variant Classification Criteria 13 December 2019. Collection method: clinical testing. Allele origin: germline.
Comment: This variant was observed in the ICSL laboratory as part of a predisposition screen in an ostensibly healthy population. It had not been previously curated by ICSL or reported in the Human Gene Mutation Database (HGMD: prior to June 1st, 2018), and was therefore a candidate for classification through an automated scoring system. Utilizing variant allele frequency, disease prevalence and penetrance estimates, and inheritance mode, an automated score was calculated to assess if this variant is too frequent to cause the disease. Based on the score and internal cut-off values, a variant classified as likely benign is not then subjected to further curation. The score for this variant resulted in a classification of likely benign for this disease.

Illumina Laboratory Services, Illumina
Classification: Uncertain significance for Dilated cardiomyopathy 1G. Last evaluated: 2018-01-13. Review status: criteria provided, single submitter. Criteria: ICSL Variant Classification Criteria 13 December 2019. Collection method: clinical testing. Allele origin: germline.

Illumina Laboratory Services, Illumina
Classification: Uncertain significance for Autosomal recessive limb-girdle muscular dystrophy type 2J. Last evaluated: 2018-01-13. Review status: criteria provided, single submitter. Criteria: ICSL Variant Classification Criteria 13 December 2019. Collection method: clinical testing. Allele origin: germline.

Illumina Laboratory Services, Illumina
Classification: Likely benign for Myopathy, myofibrillar, 9, with early respiratory failure. Last evaluated: 2018-01-13. Review status: criteria provided, single submitter. Criteria: ICSL Variant Classification Criteria 13 December 2019. Collection method: clinical testing. Allele origin: germline.
Comment: the same text as in the submission from Illumina Laboratory Services, Illumina above.

Illumina Laboratory Services, Illumina
Classification: Uncertain significance for Early-onset myopathy with fatal cardiomyopathy. Last evaluated: 2018-01-13. Review status: criteria provided, single submitter. Criteria: ICSL Variant Classification Criteria 13 December 2019. Collection method: clinical testing. Allele origin: germline.

Labcorp Genetics (formerly Invitae), Labcorp
Classification: Uncertain significance for Dilated cardiomyopathy 1G; Autosomal recessive limb-girdle muscular dystrophy type 2J. Last evaluated: 2018-01-05. Review status: criteria provided, single submitter. Criteria: Invitae Variant Classification Sherloc (09022015). Collection method: clinical testing. Allele origin: germline.

Practice for Gait Abnormalities, David Pomarino, Competency Network Toe Walking C/o Practice Pomarino
Classification: Likely pathogenic for Tip-toe gait. Review status: no assertion criteria provided. Collection method: clinical testing. Allele origin: germline. Affected: yes. Not counted in ClinVar's aggregate classification.
Comment: Myopathy refers to diseases that affect skeletal Muscles. These diseases attack muscle fibers, making muscles weak. Inherited myopathies are often caused by inheriting an abnormal gene mutation from a parent that causes the disease. Symptoms of congenital myopathies usually start at birth or in early childhood, but may not appear until the teen years or even later in adulthood. Congenital myopathies are somewhat unique compared with other inherited myopathies, as weakness typically affects all muscles and is often not progressive. Symptoms are: Muscle weakness, most commonly of upper arms and shoulders and thighs, muscle cramps, stiffness and spasms, fatigue with exertion and lack of energy. Our patients all walk on tiptoe, so they show similar symptoms. When we genetically test them with our toe walking panel, we find that around 90 per cent of them have a genetic variant that explains their toe walking. These can be assigned, for example, to the area of myopathies (such as variants of the COL6A3 gene), the area of hereditary neuropathies (such as variants of the KMT2C gene) or the area of metabolic diseases (such as variants of the PYGM gene). In a smaller group of patients with almost identical symptoms, no abnormality is found in the genes of our panel, but spastic paraplegia can be detected. In another small group of our toe walkers, no abnormalities can be detected in the genes analysed in our toe walking panel, nor do they suffer from spastic paraplegia, as is also the case with healthy children. In contrast to these, however, they show a tiptoe gait. These patients suffer from infantile cerebral palsy, in which toe walking can also be observed.

Literature cited by the submitters: PubMed 37091313 (cited by Practice for Gait Abnormalities, David Pomarino, Competency Network Toe Walking C/o Practice Pomarino).

NM_001267550.2(TTN):c.24769C>G (p.Leu8257Val)

Gene: TTN (titin; minus strand). Cytogenetic location: 2q31.2.
Variant type: single nucleotide variant.
Coding change: c.24769C>G on transcript NM_001267550.2 (MANE Select); coding-DNA position 24769, C replaced by G.
Protein change: p.Leu8257Val; replaces leucine 8257 with valine.
Molecular consequence: missense variant. On other transcripts: intron variant (3).
Genome position (GRCh38, 1-based): chr2:178,718,337, G>C on the plus strand (C>G on the coding strand, the complement: TTN is on the minus strand). VCF-style: chr2-178718337-G-C. GRCh37 (hg19) VCF-style: chr2-179583064-G-C.
Other names: p.L7940V:CTG>GTG; c.23818C>G, p.Leu7940Val (NM_001256850.1); c.21037C>G, p.Leu7013Val (NM_133378.4); c.13282+19745C>G (NM_003319.4); c.13858+19745C>G (NM_133437.4); c.13657+19745C>G (NM_133432.3); short protein forms L7940V, L8257V, L7013V.
Identifiers: ClinVar variation 203331 (VCV000203331.13), dbSNP rs371322658, ClinGen allele CA312061.